The following is an entry in ClinVar:

ClinVar aggregate classification (germline): Benign. Review status: criteria provided, multiple submitters, no conflicts (2 of 4 stars). 3 submissions from 3 submitters: Benign (2). 1 of the submissions does not count toward it. Last evaluated 2025-12-02.

Conditions:
NADK2-related disorder. Also called: NADK2-related condition.
Progressive encephalopathy with leukodystrophy due to DECR deficiency. Identifiers: Orphanet 431361, MedGen C1857252, MONDO:0014464, OMIM 616034.

Allele frequency attached by ClinVar (database versions not stated): gnomAD exomes 0.00025 and 0.00074; ExAC 0.00081; 1000 Genomes Project 30x 0.00187; 1000 Genomes Project 0.00200; gnomAD 0.00275 and 0.00302; ESP Exome Variant Server 0.00299; TOPMed 0.00305.
gnomAD v4.1: 803 of 1,613,186 alleles (0.05%); highest among the groups gnomAD compares: African/African-American, 0.96%; 2 homozygotes.

Submissions (3):

Labcorp Genetics (formerly Invitae), Labcorp
Classification: Benign for Progressive encephalopathy with leukodystrophy due to DECR deficiency. Last evaluated: 2025-12-02. Review status: criteria provided, single submitter. Criteria: Invitae Variant Classification Sherloc (09022015). Collection method: clinical testing. Allele origin: germline.

Breakthrough Genomics
Classification: Benign. Review status: criteria provided, single submitter. Criteria: ACMG Guidelines, 2015. Collection method: not provided. Allele origin: germline. Inheritance: Autosomal recessive inheritance. Affected: yes.

PreventionGenetics, part of Exact Sciences
Classification: Benign for NADK2-related condition. Last evaluated: 2022-11-29. Review status: no assertion criteria provided. Collection method: clinical testing. Allele origin: germline. Not counted in ClinVar's aggregate classification.
Comment: This variant is classified as benign based on ACMG/AMP sequence variant interpretation guidelines (Richards et al. 2015 PMID: 25741868, with internal and published modifications).

NM_001085411.3(NADK2):c.438A>C (p.Glu146Asp)

Gene: NADK2 (NAD kinase 2, mitochondrial; minus strand). Cytogenetic location: 5p13.2.
Variant type: single nucleotide variant.
Coding change: c.438A>C on transcript NM_001085411.3 (MANE Select); coding-DNA position 438, A replaced by C.
Protein change: p.Glu146Asp; replaces glutamic acid 146 with aspartic acid.
Molecular consequence: missense variant. On other transcripts: 5 prime UTR variant (3).
Genome position (GRCh38, 1-based): chr5:36,226,515, T>G on the plus strand (A>C on the coding strand, the complement: NADK2 is on the minus strand). VCF-style: chr5-36226515-T-G. GRCh37 (hg19) VCF-style: chr5-36226617-T-G.
Other names: c.-52A>C (NM_001287340.2, NM_001287341.2, NM_153013.5); short protein forms E146D.
Identifiers: ClinVar variation 791998 (VCV000791998.14), dbSNP rs181647494, ClinGen allele CA3234737.